The following is an entry in ClinVar:

NM_000059.4(BRCA2):c.2149T>G (p.Cys717Gly)

Gene: BRCA2 (BRCA2 DNA repair associated; plus strand). Cytogenetic location: 13q13.1.
Variant type: single nucleotide variant.
Coding change: c.2149T>G on transcript NM_000059.4 (MANE Select); coding-DNA position 2149, T replaced by G.
Protein change: p.Cys717Gly; replaces cysteine 717 with glycine.
Molecular consequence: missense variant.
Genome position (GRCh38, 1-based): chr13:32,336,504, T>G. VCF-style: chr13-32336504-T-G. GRCh37 (hg19) VCF-style: chr13-32910641-T-G.
Other names: short protein forms C717G.
Identifiers: ClinVar variation 483028 (VCV000483028.19), dbSNP rs1555282483, ClinGen allele CA387770180.

ClinVar aggregate classification (germline): Conflicting classifications of pathogenicity. Review status: criteria provided, conflicting classifications (1 of 4 stars). 6 submissions from 6 submitters: Uncertain significance (5); Likely benign (1). Last evaluated 2025-12-08.

Conditions:
Hereditary cancer-predisposing syndrome. Also called: Neoplastic Syndromes, Hereditary; Tumor predisposition; Hereditary Cancer Syndrome; Hereditary neoplastic syndrome. Identifiers: Orphanet 140162, MedGen C0027672, MeSH D009386, MONDO:0015356.
Hereditary breast ovarian cancer syndrome. Also called: Hereditary breast and ovarian cancer syndrome; Hereditary breast and ovarian cancer; Hereditary breast and ovarian cancer syndrome (HBOC); Breast and ovarian cancer; Hereditary breast and/or ovarian cancer syndrome; BRCA1- and BRCA2-Associated Hereditary Breast and Ovarian Cancer. Identifiers: Orphanet 145, MedGen C0677776, MeSH D061325, MONDO:0003582. Disease mechanism: loss of function.

gnomAD v4.1: 1 of 1,614,006 alleles (0.000062%); highest among the groups gnomAD compares: Non-Finnish European, 0.000085%; no homozygotes.

Submissions (6):

Labcorp Genetics (formerly Invitae), Labcorp
Classification: Uncertain significance for Hereditary breast ovarian cancer syndrome. Last evaluated: 2025-12-08. Review status: criteria provided, single submitter. Criteria: Invitae Variant Classification Sherloc (09022015). Collection method: clinical testing. Allele origin: germline.
Comment: This sequence change replaces cysteine, which is neutral and slightly polar, with glycine, which is neutral and non-polar, at codon 717 of the BRCA2 protein (p.Cys717Gly). This variant is not present in population databases (gnomAD no frequency). This variant has not been reported in the literature in individuals affected with BRCA2-related conditions. ClinVar contains an entry for this variant (Variation ID: 483028). Invitae Evidence Modeling of protein sequence and biophysical properties (such as structural, functional, and spatial information, amino acid conservation, physicochemical variation, residue mobility, and thermodynamic stability) indicates that this missense variant is not expected to disrupt BRCA2 protein function with a negative predictive value of 95%. In summary, the available evidence is currently insufficient to determine the role of this variant in disease. Therefore, it has been classified as a Variant of Uncertain Significance.

Quest Diagnostics Nichols Institute San Juan Capistrano
Classification: Uncertain significance. Last evaluated: 2025-05-16. Review status: criteria provided, single submitter. Criteria: Quest Diagnostics criteria. Collection method: clinical testing. Allele origin: unknown.
Comment: The BRCA2 c.2149T>G (p.Cys717Gly) variant has been reported in the published literature in an individual with breast cancer in a large scale breast cancer association study (PMID: 33471991 (2021), see also LOVD), and described to be located in a region of the BRCA2 gene that is tolerant to missense sequence changes (PMID: 31911673 (2020)). This variant has not been reported in large, multi-ethnic general populations (Genome Aggregation Database). Analysis of this variant using bioinformatics tools for the prediction of the effect of amino acid changes on protein structure and function yielded predictions that this variant is benign. Based on the available information, we are unable to determine the clinical significance of this variant.

Color Diagnostics, LLC DBA Color Health
Classification: Uncertain significance for Hereditary cancer-predisposing syndrome. Last evaluated: 2024-05-31. Review status: criteria provided, single submitter. Criteria: ACMG Guidelines, 2015. Collection method: clinical testing. Allele origin: germline.
Comment: This missense variant replaces cysteine with glycine at codon 717 of the BRCA2 protein. Computational prediction suggests that this variant may not impact protein structure and function. To our knowledge, functional studies have not been reported for this variant. This variant has been reported in 1 individual affected with breast cancer (PMID: 33471991; Leiden Open Variation Database DB-ID BRCA2_007924). This variant has not been identified in the general population by the Genome Aggregation Database (gnomAD). The available evidence is insufficient to determine the role of this variant in disease conclusively. Therefore, this variant is classified as a Variant of Uncertain Significance.

University of Washington Department of Laboratory Medicine, University of Washington
Classification: Likely benign for Hereditary cancer-predisposing syndrome. Last evaluated: 2023-03-23. Review status: criteria provided, single submitter. Criteria: Dines et al. (Genet Med. 2020). Collection method: curation. Allele origin: germline.
Comment: Missense variant in a coldspot region where missense variants are very unlikely to be pathogenic (PMID:31911673).

BRCA2 exon 11 coldspot. Reclassification based on statistical prior probability.

GeneDx
Classification: Uncertain significance. Last evaluated: 2019-11-22. Review status: criteria provided, single submitter. Criteria: GeneDx Variant Classification Process June 2021. Collection method: clinical testing. Allele origin: germline. Affected: yes.
Comment: Not observed in large population cohorts (Lek 2016); In silico analysis, which includes protein predictors and evolutionary conservation, supports a deleterious effect; Has not been previously published as pathogenic or benign to our knowledge

Ambry Genetics
Classification: Uncertain significance for Hereditary cancer-predisposing syndrome. Last evaluated: 2016-05-26. Review status: criteria provided, single submitter. Criteria: Ambry Variant Classification Scheme 2023. Collection method: clinical testing. Allele origin: germline.
Comment: The p.C717G variant (also known as c.2149T>G), located in coding exon 10 of the BRCA2 gene, results from a T to G substitution at nucleotide position 2149. The cysteine at codon 717 is replaced by glycine, an amino acid with highly dissimilar properties. This variant was not reported in population based cohorts in the following databases: Database of Single Nucleotide Polymorphisms (dbSNP), NHLBI Exome Sequencing Project (ESP), and 1000 Genomes Project. In the ESP, this variant was not observed in 6503 samples (13006 alleles) with coverage at this position. To date, this alteration has been detected with an allele frequency of approximately 0.0003% (greater than 300000 alleles tested) in our clinical cohort. This amino acid position is not well conserved in available vertebrate species. In addition, this alteration is predicted to be tolerated by in silico analysis. Since supporting evidence is limited at this time, the clinical significance of this alteration remains unclear.

Literature cited by the submitters: PubMed 33471991 (cited by Quest Diagnostics Nichols Institute San Juan Capistrano and Color Diagnostics, LLC DBA Color Health); PubMed 31911673 (cited by Quest Diagnostics Nichols Institute San Juan Capistrano).